The following is an entry in ClinVar:

ClinVar aggregate classification (germline): Likely benign (1 of 4 stars; one submission).

Conditions:
Autosomal dominant nonsyndromic hearing loss 9. Identifiers: Orphanet 90635, MedGen C1832425, MONDO:0011058, OMIM 601369.

Allele frequency attached by ClinVar (database versions not stated): gnomAD exomes 0.00005; 1000 Genomes Project 0.00060; 1000 Genomes Project 30x 0.00062; gnomAD 0.00067 and 0.00113; TOPMed 0.00130.
gnomAD v4.1: 210 of 1,015,098 alleles (0.021%); highest among the groups gnomAD compares: African/African-American, 0.23%; 1 homozygote.

Submission:

Illumina Laboratory Services, Illumina
Classification: Likely benign for Autosomal dominant nonsyndromic hearing loss 9. Last evaluated: 2018-01-13. Review status: criteria provided, single submitter. Criteria: ICSL Variant Classification Criteria 13 December 2019. Collection method: clinical testing. Allele origin: germline.
Comment: This variant was observed in the ICSL laboratory as part of a predisposition screen in an ostensibly healthy population. It had not been previously curated by ICSL or reported in the Human Gene Mutation Database (HGMD: prior to June 1st, 2018), and was therefore a candidate for classification through an automated scoring system. Utilizing variant allele frequency, disease prevalence and penetrance estimates, and inheritance mode, an automated score was calculated to assess if this variant is too frequent to cause the disease. Based on the score and internal cut-off values, a variant classified as likely benign is not then subjected to further curation. The score for this variant resulted in a classification of likely benign for this disease.

NM_004086.3(COCH):c.*339T>C

Gene: COCH (cochlin; plus strand). Cytogenetic location: 14q12.
Variant type: single nucleotide variant.
Coding change: c.*339T>C on transcript NM_004086.3 (MANE Select); 339 bases downstream of the stop codon, T replaced by C.
Molecular consequence: 3 prime UTR variant.
Genome position (GRCh38, 1-based): chr14:30,890,130, T>C. VCF-style: chr14-30890130-T-C. GRCh37 (hg19) VCF-style: chr14-31359336-T-C.
Other names: c.*339T>C (NM_001135058.2, NM_001347720.2).
Identifiers: ClinVar variation 882789 (VCV000882789.4), dbSNP rs187461561, ClinGen allele CA258544405.
Genomic context (GRCh38, chr14:30,890,130, plus strand): 5'-CCATGCCTACTAAATGTACAGATATGCAAATTCCATAGCTCAATAAAAGAATCTGATACT[T>C]AGACCAAAAGCAACATTCGTTCTCTAACCATTCTGTATTGATTATATAAGCAAAATGAAA-3'